The following is an entry in ClinVar:

ClinVar aggregate classification (germline): Uncertain significance. Review status: criteria provided, multiple submitters, no conflicts (2 of 4 stars). 2 submissions from 2 submitters: Uncertain significance (2). Last evaluated 2025-08-04.

Allele frequency attached by ClinVar (database versions not stated): ExAC 0.00004; gnomAD 0.00011; TOPMed 0.00012; 1000 Genomes Project 0.00060; 1000 Genomes Project 30x 0.00062.
gnomAD v4.1: 25 of 1,551,848 alleles (0.0016%); highest among the groups gnomAD compares: African/African-American, 0.029%; no homozygotes.

Submissions (2):

Ambry Genetics
Classification: Uncertain significance. Last evaluated: 2025-08-04. Review status: criteria provided, single submitter. Criteria: Ambry Variant Classification Scheme 2023. Collection method: clinical testing. Allele origin: germline.

GeneDx
Classification: Uncertain significance. Last evaluated: 2022-11-03. Review status: criteria provided, single submitter. Criteria: GeneDx Variant Classification Process June 2021. Collection method: clinical testing. Allele origin: germline. Affected: yes.
Comment: In silico analysis supports that this missense variant does not alter protein structure/function; Has not been previously published as pathogenic or benign to our knowledge

NM_138775.3(ALKBH8):c.1693G>A (p.Glu565Lys)

Gene: ALKBH8 (alkB homolog 8, tRNA methyltransferase; minus strand). Cytogenetic location: 11q22.3.
Variant type: single nucleotide variant.
Coding change: c.1693G>A on transcript NM_138775.3 (MANE Select); coding-DNA position 1693, G replaced by A.
Protein change: p.Glu565Lys; replaces glutamic acid 565 with lysine.
Molecular consequence: missense variant. On other transcripts: non-coding transcript variant (6).
Genome position (GRCh38, 1-based): chr11:107,504,960, C>T on the plus strand (G>A on the coding strand, the complement: ALKBH8 is on the minus strand). VCF-style: chr11-107504960-C-T. GRCh37 (hg19) VCF-style: chr11-107375686-C-T.
Other names: c.1693G>A, p.Glu565Lys (NM_001301010.3); c.1543G>A, p.Glu515Lys (NM_001378133.1); short protein forms E565K, E515K.
Identifiers: ClinVar variation 2458791 (VCV002458791.4), dbSNP rs537250015, ClinGen allele CA6261003.